The following is an entry in ClinVar:

ClinVar aggregate classification (germline): Conflicting classifications of pathogenicity. Review status: criteria provided, conflicting classifications (1 of 4 stars). 3 submissions from 3 submitters: Likely pathogenic (1); Uncertain significance (2). Last evaluated 2023-03-10.

Conditions:
Familial thoracic aortic aneurysm and aortic dissection (TAAD). Also called: Thoracic aortic aneurysms and dissections. Identifiers: Orphanet 91387, MedGen C4707243, MONDO:0019625.
Marfan syndrome (MFS). Also called: FBN1-Related Marfan Syndrome; Marfan syndrome type 1; Marfan's syndrome; Marfan syndrome, classic; MARFAN SYNDROME, TYPE I. Identifiers: Orphanet 284963, Orphanet 558, MedGen C0024796, MONDO:0007947, OMIM 154700.

Submissions (3):

Labcorp Genetics (formerly Invitae), Labcorp
Classification: Likely pathogenic for Marfan syndrome; Familial thoracic aortic aneurysm and aortic dissection. Last evaluated: 2023-03-10. Review status: criteria provided, single submitter. Criteria: Invitae Variant Classification Sherloc (09022015). Collection method: clinical testing. Allele origin: germline.
Comment: This sequence change replaces arginine, which is basic and polar, with glycine, which is neutral and non-polar, at codon 2589 of the FBN1 protein (p.Arg2589Gly). This variant is not present in population databases (gnomAD no frequency). This missense change has been observed in individuals with clinical features of FBN1-related conditions (PMID: 26272055, 31279664; Invitae). It has also been observed to segregate with disease in related individuals. ClinVar contains an entry for this variant (Variation ID: 660361). Advanced modeling of protein sequence and biophysical properties (such as structural, functional, and spatial information, amino acid conservation, physicochemical variation, residue mobility, and thermodynamic stability) has been performed at Invitae for this missense variant, however the output from this modeling did not meet the statistical confidence thresholds required to predict the impact of this variant on FBN1 protein function. In summary, the currently available evidence indicates that the variant is pathogenic, but additional data are needed to prove that conclusively. Therefore, this variant has been classified as Likely Pathogenic.

Mayo Clinic Laboratories, Mayo Clinic
Classification: Uncertain significance. Last evaluated: 2023-01-31. Review status: criteria provided, single submitter. Criteria: ACMG Guidelines, 2015. Collection method: clinical testing. Allele origin: germline. Observed: 1 variant allele.
Comment: PP2, PP4, PM2_supporting, PS4_moderate

GeneDx
Classification: Uncertain significance. Last evaluated: 2020-07-16. Review status: criteria provided, single submitter. Criteria: GeneDx Variant Classification Process June 2021. Collection method: clinical testing. Allele origin: germline. Affected: yes.
Comment: Not observed in large population cohorts (Lek et al., 2016); This variant is associated with the following publications: (PMID: 26272055, 31279664)

Literature cited by the submitters: PubMed 26272055 (cited by Labcorp Genetics (formerly Invitae), Labcorp and Mayo Clinic Laboratories, Mayo Clinic); PubMed 31279664 (cited by Labcorp Genetics (formerly Invitae), Labcorp and Mayo Clinic Laboratories, Mayo Clinic).

NM_000138.5(FBN1):c.7765A>G (p.Arg2589Gly)

Gene: FBN1 (fibrillin 1; minus strand). Cytogenetic location: 15q21.1.
Variant type: single nucleotide variant.
Coding change: c.7765A>G on transcript NM_000138.5 (MANE Select); coding-DNA position 7765, A replaced by G.
Protein change: p.Arg2589Gly; replaces arginine 2589 with glycine.
Molecular consequence: missense variant.
Genome position (GRCh38, 1-based): chr15:48,420,741, T>C on the plus strand (A>G on the coding strand, the complement: FBN1 is on the minus strand). VCF-style: chr15-48420741-T-C. GRCh37 (hg19) VCF-style: chr15-48712938-T-C.
Other names: p.Arg2589Gly; short protein forms R2589G.
Identifiers: ClinVar variation 660361 (VCV000660361.11), dbSNP rs111413134, ClinGen allele CA269519589.